The following is an entry in ClinVar:

ClinVar aggregate classification (germline): Uncertain significance (1 of 4 stars; one submission).

Conditions:
Hereditary cancer-predisposing syndrome. Also called: Neoplastic Syndromes, Hereditary; Tumor predisposition; Hereditary neoplastic syndrome; Hereditary Cancer Syndrome. Identifiers: Orphanet 140162, MedGen C0027672, MeSH D009386, MONDO:0015356.

Submission:

Ambry Genetics
Classification: Uncertain significance for Hereditary cancer-predisposing syndrome. Last evaluated: 2026-07-07. Review status: criteria provided, single submitter. Criteria: Ambry Variant Classification Scheme 2023. Collection method: clinical testing. Allele origin: germline.
Comment: The p.A210V variant (also known as c.629C>T), located in coding exon 3 of the PHOX2B gene, results from a C to T substitution at nucleotide position 629. The alanine at codon 210 is replaced by valine, an amino acid with similar properties. This amino acid position is conserved. In addition, this alteration is predicted to be tolerated by in silico analysis. Based on the available evidence, the clinical significance of this variant remains unclear.

NM_003924.4(PHOX2B):c.629C>T (p.Ala210Val)

Gene: PHOX2B (paired like homeobox 2B; minus strand). Cytogenetic location: 4p13.
Variant type: single nucleotide variant.
Coding change: c.629C>T on transcript NM_003924.4 (MANE Select); coding-DNA position 629, C replaced by T.
Protein change: p.Ala210Val; replaces alanine 210 with valine.
Molecular consequence: missense variant.
Genome position (GRCh38, 1-based): chr4:41,746,123, G>A on the plus strand (C>T on the coding strand, the complement: PHOX2B is on the minus strand). VCF-style: chr4-41746123-G-A. GRCh37 (hg19) VCF-style: chr4-41748140-G-A.
Other names: short protein forms A210V.
Identifiers: ClinVar variation 5026590 (VCV005026590.1).